The following is an entry in ClinVar:

NM_004959.5(NR5A1):c.230G>C (p.Gly77Ala)

Gene: NR5A1 (nuclear receptor subfamily 5 group A member 1; minus strand). Cytogenetic location: 9q33.3.
Variant type: single nucleotide variant.
Coding change: c.230G>C on transcript NM_004959.5 (MANE Select); coding-DNA position 230, G replaced by C.
Protein change: p.Gly77Ala; replaces glycine 77 with alanine.
Molecular consequence: missense variant.
Genome position (GRCh38, 1-based): chr9:124,503,093, C>G on the plus strand (G>C on the coding strand, the complement: NR5A1 is on the minus strand). VCF-style: chr9-124503093-C-G. GRCh37 (hg19) VCF-style: chr9-127265372-C-G.
Other names: short protein forms G77A.
Identifiers: ClinVar variation 3255175 (VCV003255175.1), dbSNP rs2538687093.

ClinVar aggregate classification (germline): Uncertain significance (1 of 4 stars; one submission).

Conditions:
46,XY sex reversal 3. Also called: NR5A1-related 46,XY complete gonadal dysgenesis; 46,XY GONADAL DYSGENESIS, PARTIAL OR COMPLETE, WITH OR WITHOUT ADRENAL FAILURE; DISORDER OF SEX DEVELOPMENT, 46,XY, NR5A1-RELATED; 46,XY SEX REVERSAL, PARTIAL OR COMPLETE, NR5A1-RELATED; SEX REVERSAL, XY, WITH OR WITHOUT ADRENAL FAILURE. Identifiers: MedGen C3489793, MONDO:0013066, OMIM 612965.

Submission:

Victorian Clinical Genetics Services, Murdoch Childrens Research Institute
Classification: Uncertain significance for 46,XY sex reversal 3. Last evaluated: 2023-07-17. Review status: criteria provided, single submitter. Criteria: ACMG Guidelines, 2015. Collection method: clinical testing. Allele origin: germline. Inheritance: Autosomal dominant inheritance. Affected: yes.
Comment: Based on the classification scheme VCGS_Germline_v1.3.4, this variant is classified as VUS-3A. Following criteria are met: 0102 - Loss of function is a known mechanism of disease in this gene and is associated with adrenocortical insufficiency (MIM#612964), XX sex reversal 4, 46 (MIM# 617480), premature ovarian failure 7 (MIM#612964), spermatogenic failure 8 (MIM#613957) and 46XY sex reversal 3 (MIM#612965). (I) 0107 - This gene is associated with autosomal dominant disease. (I) 0112 - The condition associated with this gene has incomplete penetrance (PMID: 31513305). (I) 0115 - Variants in this gene are known to have variable expressivity (PMID: 31513305). (I) 0200 - Variant is predicted to result in a missense amino acid change from glycine to alanine. (I) 0251 - This variant is heterozygous. (I) 0301 - Variant is absent from gnomAD (both v2 and v3). (SP) 0501 - Missense variant consistently predicted to be damaging by multiple in silico tools or highly conserved with a major amino acid change. (SP) 0603 - Missense variant in a region that is highly intolerant to missense variation (high constraint region in DECIPHER). (SP) 0705 - No comparable missense variants have previous evidence for pathogenicity. (I) 0807 - This variant has no previous evidence of pathogenicity. (I) 0905 - No published segregation evidence has been identified for this variant. (I) 1007 - No published functional evidence has been identified for this variant. (I) 1208 - Inheritance information for this variant is not currently available in this individual. (I) Legend: (SP) - Supporting pathogenic, (I) - Information, (SB) - Supporting benign

Literature cited by the submitters: PubMed 31513305.